The following is an entry in ClinVar:

ClinVar aggregate classification (germline): Uncertain significance (1 of 4 stars; one submission).

Submission:

GeneDx
Classification: Uncertain significance. Last evaluated: 2023-09-07. Review status: criteria provided, single submitter. Criteria: GeneDx Variant Classification Process June 2021. Collection method: clinical testing. Allele origin: germline. Affected: yes.
Comment: No data available from control populations to assess the frequency of this variant; In silico analysis suggests this variant may impact gene splicing. In the absence of RNA/functional studies, the actual effect of this sequence change is unknown.; Identified as a mosaic variant in a patient with episodes of transient erythematous subcutaneous nodules in published literature (Hegazy et al., 2022); This variant is associated with the following publications: (PMID: 35120036)

NM_001099857.5(IKBKG):c.671+3G>C

Gene: IKBKG (inhibitor of nuclear factor kappa B kinase regulatory subunit gamma; plus strand). Cytogenetic location: Xq28.
Variant type: single nucleotide variant.
Coding change: c.671+3G>C on transcript NM_001099857.5 (MANE Select); 3 bases into the intron after coding-DNA position 671, G replaced by C.
Molecular consequence: intron variant.
Genome position (GRCh38, 1-based): chrX:154,560,562, G>C. VCF-style: chrX-154560562-G-C. GRCh37 (hg19) VCF-style: chrX-153788777-G-C.
Other names: c.671+3G>C (NM_001377312.1, NM_001321396.3, NM_003639.4); c.668+3G>C (NM_001377313.1, NM_001321397.3); c.875+3G>C (NM_001099856.6); c.519-1126G>C (NM_001145255.4); c.516-1126G>C (NM_001377314.1); c.400-2248G>C (NM_001377315.1).
Identifiers: ClinVar variation 2579309 (VCV002579309.1), dbSNP rs2523375735, ClinGen allele CA2580617842.